The following is an entry in ClinVar:

ClinVar aggregate classification (germline): Uncertain significance (1 of 4 stars; one submission).

Conditions:
Hereditary cancer-predisposing syndrome. Also called: Neoplastic Syndromes, Hereditary; Tumor predisposition; Hereditary neoplastic syndrome; Hereditary Cancer Syndrome. Identifiers: Orphanet 140162, MedGen C0027672, MeSH D009386, MONDO:0015356.

gnomAD v4.1: 1 of 1,613,670 alleles (0.000062%); highest among the groups gnomAD compares: Non-Finnish European, 0.000085%; no homozygotes.

Submission:

Ambry Genetics
Classification: Uncertain significance for Hereditary cancer-predisposing syndrome. Last evaluated: 2026-09-08. Review status: criteria provided, single submitter. Criteria: Ambry Variant Classification Scheme 2023. Collection method: clinical testing. Allele origin: germline.
Comment: The p.R588L variant (also known as c.1763G>T), located in coding exon 16 of the NF2 gene, results from a G to T substitution at nucleotide position 1763. The arginine at codon 588 is replaced by leucine, an amino acid with dissimilar properties. This amino acid position is highly conserved in available vertebrate species. In addition, this alteration is predicted to be deleterious by in silico analysis. Based on the available evidence, the clinical significance of this variant remains unclear.

NM_000268.4(NF2):c.1763G>T (p.Arg588Leu)

Gene: NF2 (NF2, moesin-ezrin-radixin like (MERLIN) tumor suppressor; plus strand). Cytogenetic location: 22q12.2.
Variant type: single nucleotide variant.
Coding change: c.1763G>T on transcript NM_000268.4 (MANE Select); coding-DNA position 1763, G replaced by T.
Protein change: p.Arg588Leu; replaces arginine 588 with leucine.
Molecular consequence: missense variant. On other transcripts: 3 prime UTR variant (11), nonsense (2), non-coding transcript variant (1).
Genome position (GRCh38, 1-based): chr22:29,694,777, G>T. VCF-style: chr22-29694777-G-T. GRCh37 (hg19) VCF-style: chr22-30090766-G-T.
Other names: c.1649G>T, p.Arg550Leu (NM_001407053.1); c.1640G>T, p.Arg547Leu (NM_001407054.1); c.1637G>T, p.Arg546Leu (NM_001407055.1); c.*35G>T (NM_001407056.1, NM_001407059.1, NM_001407065.1 and 5 more transcripts); c.1628G>T, p.Arg543Leu (NM_001407057.1); c.*50G>T (NM_001407058.1, NM_001407063.1, NM_181832.3); c.1600G>T, p.Glu534Ter (NM_001407060.1); c.1505G>T, p.Arg502Leu (NM_001407062.1); and 2 more; short protein forms R550L, R158L, R502L, R543L, R546L, E451*, E534*, R547L.
Identifiers: ClinVar variation 5025676 (VCV005025676.1).